The following is an entry in ClinVar:

NM_024857.5(ATAD5):c.5034T>C (p.Ser1678=)

Gene: ATAD5 (ATPase family AAA domain containing 5; plus strand). Cytogenetic location: 17q11.2.
Variant type: single nucleotide variant.
Coding change: c.5034T>C on transcript NM_024857.5 (MANE Select); coding-DNA position 5034, T replaced by C.
Protein change: p.Ser1678=; no amino-acid change (serine 1678 retained).
Molecular consequence: synonymous variant.
Genome position (GRCh38, 1-based): chr17:30,893,887, T>C. VCF-style: chr17-30893887-T-C. GRCh37 (hg19) VCF-style: chr17-29220905-T-C.
Identifiers: ClinVar variation 3053616 (VCV003053616.2), dbSNP rs193221883, ClinGen allele CA8484393.

ClinVar aggregate classification (germline): Benign (0 of 4 stars; one submission).

Conditions:
ATAD5-related disorder. Also called: ATAD5-related condition.

Allele frequency attached by ClinVar (database versions not stated): gnomAD 0.00018; gnomAD exomes 0.00024; 1000 Genomes Project 0.00040; 1000 Genomes Project 30x 0.00047; TOPMed 0.00063; ExAC 0.00105.
gnomAD v4.1: 368 of 1,614,036 alleles (0.023%); highest among the groups gnomAD compares: Admixed American, 0.59%; 3 homozygotes.

Submission:

PreventionGenetics, part of Exact Sciences
Classification: Benign for ATAD5-related condition. Last evaluated: 2019-08-13. Review status: no assertion criteria provided. Collection method: clinical testing. Allele origin: germline.
Comment: This variant is classified as benign based on ACMG/AMP sequence variant interpretation guidelines (Richards et al. 2015 PMID: 25741868, with internal and published modifications).